The following is an entry in ClinVar:

NM_001375567.1(FOCAD):c.2407C>T (p.Arg803Cys)

Gene: FOCAD (focadhesin; plus strand). Cytogenetic location: 9p21.3.
Variant type: single nucleotide variant.
Coding change: c.2407C>T on transcript NM_001375567.1 (MANE Select); coding-DNA position 2407, C replaced by T.
Protein change: p.Arg803Cys; replaces arginine 803 with cysteine.
Molecular consequence: missense variant.
Genome position (GRCh38, 1-based): chr9:20,881,960, C>T. VCF-style: chr9-20881960-C-T. GRCh37 (hg19) VCF-style: chr9-20881959-C-T.
Other names: c.2302C>T, p.Arg768Cys (NM_001375568.1, NM_001375570.1); c.2407C>T, p.Arg803Cys (NM_017794.5); short protein forms R768C, R803C.
Identifiers: ClinVar variation 3096175 (VCV003096175.2), dbSNP rs775165461, ClinGen allele CA5007118.

ClinVar aggregate classification (germline): Uncertain significance. Review status: criteria provided, multiple submitters, no conflicts (2 of 4 stars). 2 submissions from 2 submitters: Uncertain significance (2). Last evaluated 2025-08-28.

Conditions:
Inborn genetic diseases. Identifiers: MedGen C0950123, MeSH D030342.

Allele frequency attached by ClinVar (database versions not stated): ExAC 0.00002; gnomAD 0.00003; gnomAD exomes 0.00003; TOPMed 0.00004; 1000 Genomes Project 30x 0.00031.
gnomAD v4.1: 52 of 1,613,820 alleles (0.0032%); highest among the groups gnomAD compares: Admixed American, 0.028%; no homozygotes.

Submissions (2):

Labcorp Genetics (formerly Invitae), Labcorp
Classification: Uncertain significance. Last evaluated: 2025-08-28. Review status: criteria provided, single submitter. Criteria: Invitae Variant Classification Sherloc (09022015). Collection method: clinical testing. Allele origin: germline.
Comment: This sequence change replaces arginine, which is basic and polar, with cysteine, which is neutral and slightly polar, at codon 803 of the FOCAD protein (p.Arg803Cys). This variant is present in population databases (rs775165461, gnomAD 0.04%). This variant has not been reported in the literature in individuals affected with FOCAD-related conditions. ClinVar contains an entry for this variant (Variation ID: 3096175). Experimental studies and prediction algorithms are not available or were not evaluated, and the functional significance of this variant is currently unknown. In summary, the available evidence is currently insufficient to determine the role of this variant in disease. Therefore, it has been classified as a Variant of Uncertain Significance.

Ambry Genetics
Classification: Uncertain significance for Inborn genetic diseases. Last evaluated: 2023-10-25. Review status: criteria provided, single submitter. Criteria: Ambry Variant Classification Scheme 2023. Collection method: clinical testing. Allele origin: germline.